The following is an entry in ClinVar:

NM_004006.3(DMD):c.4186T>A (p.Tyr1396Asn)

Gene: DMD (dystrophin; minus strand). Cytogenetic location: Xp21.1.
Variant type: single nucleotide variant.
Coding change: c.4186T>A on transcript NM_004006.3 (MANE Select); coding-DNA position 4186, T replaced by A.
Protein change: p.Tyr1396Asn; replaces tyrosine 1396 with asparagine.
Molecular consequence: missense variant.
Genome position (GRCh38, 1-based): chrX:32,411,799, A>T on the plus strand (T>A on the coding strand, the complement: DMD is on the minus strand). VCF-style: chrX-32411799-A-T. GRCh37 (hg19) VCF-style: chrX-32429916-A-T.
Other names: c.4162T>A, p.Tyr1388Asn (NM_000109.4); c.4174T>A, p.Tyr1392Asn (NM_004009.3); c.3817T>A, p.Tyr1273Asn (NM_004010.3); c.163T>A, p.Tyr55Asn (NM_004011.4); c.154T>A, p.Tyr52Asn (NM_004012.4); short protein forms Y1392N, Y55N, Y1396N, Y52N, Y1273N, Y1388N.
Identifiers: ClinVar variation 3634832 (VCV003634832.2).

ClinVar aggregate classification (germline): Uncertain significance (1 of 4 stars; one submission).

Conditions:
Duchenne muscular dystrophy (DMD). Also called: MUSCULAR DYSTROPHY, PSEUDOHYPERTROPHIC PROGRESSIVE, DUCHENNE TYPE; Duchenne Muscular Dystrophy (DMD). Identifiers: Orphanet 98896, MedGen C0013264, MONDO:0010679, OMIM 310200.

Submission:

Labcorp Genetics (formerly Invitae), Labcorp
Classification: Uncertain significance for Duchenne muscular dystrophy. Last evaluated: 2024-08-31. Review status: criteria provided, single submitter. Criteria: Invitae Variant Classification Sherloc (09022015). Collection method: clinical testing. Allele origin: germline.
Comment: This sequence change replaces tyrosine, which is neutral and polar, with asparagine, which is neutral and polar, at codon 1396 of the DMD protein (p.Tyr1396Asn). This variant is not present in population databases (gnomAD no frequency). This variant has not been reported in the literature in individuals affected with DMD-related conditions. Invitae Evidence Modeling of protein sequence and biophysical properties (such as structural, functional, and spatial information, amino acid conservation, physicochemical variation, residue mobility, and thermodynamic stability) indicates that this missense variant is not expected to disrupt DMD protein function with a negative predictive value of 95%. In summary, the available evidence is currently insufficient to determine the role of this variant in disease. Therefore, it has been classified as a Variant of Uncertain Significance.